The following is an entry in ClinVar:

ClinVar aggregate classification (germline): Likely benign (3 of 4 stars; one submission).

Conditions:
Open-angle glaucoma. Identifiers: MedGen C0017612, MONDO:0005338, HP:0012108.

Allele frequency attached by ClinVar (database versions not stated): gnomAD 0.00001; TOPMed below 0.00001; ExAC 0.00008; 1000 Genomes Project 0.00040; gnomAD exomes 0.00003; 1000 Genomes Project 30x 0.00062.
gnomAD v4.1: 45 of 1,614,186 alleles (0.0028%); highest among the groups gnomAD compares: South Asian, 0.048%; no homozygotes.

Submission:

ClinGen Glaucoma Variant Curation Expert Panel
Classification: Likely benign for Open-angle glaucoma. Last evaluated: 2026-02-18. Review status: reviewed by expert panel. Criteria: ClinGen Glaucoma ACMG Specifications V2.0.0 Approved. Collection method: curation. Allele origin: germline. Inheritance: Autosomal dominant inheritance.
Comment: The c.1290C>T variant in MYOC is a synonymous variant (p.Phe430=). The highest minor allele frequency of this variant was in the South Asian genetic ancestry group of gnomAD (v4.1.0) = 0.0004831 (44 alleles out of 91,080), which did not meet the PM2_Supporting allele frequency threshold (≤ 0.0001) or the BS1 allele frequency threshold (≥ 0.001). The SpliceAI score = 0.01, which met the ≤ 0.1 threshold for BP4, suggesting that the variant does not impact MYOC function. This synonymous variant meets BP4, so BP7 is met. There was no functional evidence predicting a damaging or benign impact of this variant on MYOC function. Although a proband with juvenile open angle glaucoma had been reported carrying this variant, PM2_Supporting was not met, therefore PS4 did not apply. In summary, this variant met the criteria to receive a score of -2 and to be classified as likely benign (likely benign classification range -2 to -6, adapted from PMID: 32720330) for juvenile open angle glaucoma based on the ACMG/AMP criteria met, as specified by the ClinGen Glaucoma VCEP (v2.0.0, 5 Dec 2024): BP4, BP7

NM_000261.2(MYOC):c.1290C>T (p.Phe430=)

Gene: MYOC (myocilin; minus strand). Cytogenetic location: 1q24.3.
Variant type: single nucleotide variant.
Coding change: c.1290C>T on transcript NM_000261.2 (MANE Select); coding-DNA position 1290, C replaced by T.
Protein change: p.Phe430=; no amino-acid change (phenylalanine 430 retained).
Molecular consequence: synonymous variant.
Genome position (GRCh38, 1-based): chr1:171,636,150, G>A on the plus strand (C>T on the coding strand, the complement: MYOC is on the minus strand). VCF-style: chr1-171636150-G-A. GRCh37 (hg19) VCF-style: chr1-171605290-G-A.
Other names: NM_000261.2:c.1290C>T.
Identifiers: ClinVar variation 2429758 (VCV002429758.2), dbSNP rs555328498, ClinGen allele CA1244048.